The following is an entry in ClinVar:

ClinVar aggregate classification (germline): Uncertain significance (1 of 4 stars; one submission).

Conditions:
Neuroblastoma, susceptibility to, 3. Also called: ALK-Related Neuroblastic Tumor Susceptibility. Identifiers: Orphanet 635, MedGen C2751681, MONDO:0013083, OMIM 613014.

Allele frequency attached by ClinVar (database versions not stated): TOPMed below 0.00001.

Submission:

Labcorp Genetics (formerly Invitae), Labcorp
Classification: Uncertain significance for Neuroblastoma, susceptibility to, 3. Last evaluated: 2023-03-21. Review status: criteria provided, single submitter. Criteria: Invitae Variant Classification Sherloc (09022015). Collection method: clinical testing. Allele origin: germline.
Comment: This sequence change creates a premature translational stop signal (p.Glu192*) in the ALK gene. It is expected to result in an absent or disrupted protein product. However, the current clinical and genetic evidence is not sufficient to establish whether loss-of-function variants in ALK cause disease. This variant is not present in population databases (gnomAD no frequency). This variant has not been reported in the literature in individuals affected with ALK-related conditions. ClinVar contains an entry for this variant (Variation ID: 2014264). In summary, the available evidence is currently insufficient to determine the role of this variant in disease. Therefore, it has been classified as a Variant of Uncertain Significance.

NM_004304.5(ALK):c.574G>T (p.Glu192Ter)

Gene: ALK (ALK receptor tyrosine kinase; minus strand). Cytogenetic location: 2p23.1.
Variant type: single nucleotide variant.
Coding change: c.574G>T on transcript NM_004304.5 (MANE Select); coding-DNA position 574, G replaced by T.
Protein change: p.Glu192Ter; replaces glutamic acid 192 with a stop codon.
Molecular consequence: nonsense.
Genome position (GRCh38, 1-based): chr2:29,920,086, C>A on the plus strand (G>T on the coding strand, the complement: ALK is on the minus strand). VCF-style: chr2-29920086-C-A. GRCh37 (hg19) VCF-style: chr2-30142952-C-A.
Other names: short protein forms E192*.
Identifiers: ClinVar variation 2014264 (VCV002014264.4), dbSNP rs770006984, ClinGen allele CA346589769.